The following is an entry in ClinVar:

ClinVar aggregate classification (germline): Pathogenic. Review status: criteria provided, multiple submitters, no conflicts (2 of 4 stars). 2 submissions from 2 submitters: Pathogenic (2). Last evaluated 2023-06-11.

Conditions:
Nemaline myopathy 2 (NEM2). Also called: Nemaline myopathy 2, autosomal recessive. Identifiers: MedGen C1850569, MONDO:0009725, OMIM 256030.
Arthrogryposis multiplex congenita 6. Identifiers: MedGen C5543431, MONDO:0030281, OMIM 619334.

gnomAD v4.1: 1 of 1,613,294 alleles (0.000062%); no homozygotes.

Submissions (2):

Baylor Genetics
Classification: Pathogenic for Arthrogryposis multiplex congenita 6. Last evaluated: 2023-06-11. Review status: criteria provided, single submitter. Criteria: ACMG Guidelines, 2015. Collection method: clinical testing. Allele origin: unknown.

Labcorp Genetics (formerly Invitae), Labcorp
Classification: Pathogenic for Nemaline myopathy 2. Last evaluated: 2021-10-05. Review status: criteria provided, single submitter. Criteria: Invitae Variant Classification Sherloc (09022015). Collection method: clinical testing. Allele origin: germline.
Comment: For these reasons, this variant has been classified as Pathogenic. This premature translational stop signal has been observed in individual(s) with congenital myopathy (PMID: 30057997). In at least one individual the data is consistent with the variant being in trans (on the opposite chromosome) from a pathogenic variant. This variant is not present in population databases (ExAC no frequency). This sequence change creates a premature translational stop signal (p.Trp6551*) in the NEB gene. It is expected to result in an absent or disrupted protein product. Loss-of-function variants in NEB are known to be pathogenic (PMID: 25205138).

Literature cited by the submitters: PubMed 30057997 (cited by Labcorp Genetics (formerly Invitae), Labcorp); PubMed 25205138 (cited by Labcorp Genetics (formerly Invitae), Labcorp).

NM_001164508.2(NEB):c.19653G>A (p.Trp6551Ter)

Gene: NEB (nebulin; minus strand). Cytogenetic location: 2q23.3.
Variant type: single nucleotide variant.
Coding change: c.19653G>A on transcript NM_001164508.2 (MANE Select); coding-DNA position 19653, G replaced by A.
Protein change: p.Trp6551Ter; replaces tryptophan 6551 with a stop codon.
Molecular consequence: nonsense.
Genome position (GRCh38, 1-based): chr2:151,553,476, C>T on the plus strand (G>A on the coding strand, the complement: NEB is on the minus strand). VCF-style: chr2-151553476-C-T. GRCh37 (hg19) VCF-style: chr2-152409990-C-T.
Other names: c.19653G>A (NM_001271208.1); c.19653G>A, p.Trp6551Ter (NM_001164507.2, NM_001271208.2); c.14550G>A, p.Trp4850Ter (NM_004543.5); short protein forms W4850*, W6551*.
Identifiers: ClinVar variation 1436116 (VCV001436116.7), dbSNP rs2153657682, ClinGen allele CA348790169.